The following is an entry in ClinVar:

ClinVar aggregate classification (germline): Benign/Likely benign. Review status: criteria provided, multiple submitters, no conflicts (2 of 4 stars). 12 submissions from 9 submitters: Benign (5); Likely benign (3). 4 of the submissions do not count toward it. Last evaluated 2025-10-02.

Conditions:
ABCB6-related disorder. Also called: ABCB6-related condition.
Langereis blood group. Also called: LANGEREIS BLOOD GROUP SYSTEM, LAN(-) PHENOTYPE. Identifiers: MedGen C3276339, OMIM 111600.
Variegate porphyria (VP). Also called: PORPHYRIA, SOUTH AFRICAN TYPE; PROTOPORPHYRINOGEN OXIDASE DEFICIENCY; PPOX DEFICIENCY. Identifiers: Orphanet 79473, MedGen C0162532, MONDO:0008297, OMIM 176200.
Hereditary coproporphyria (HCP). Also called: Hereditary coproporphyria porphyria; Porphyria hepatica coproporphyria; Porphyria hepatica II; CPRO deficiency; COPROPORPHYRINOGEN OXIDASE DEFICIENCY; CPO DEFICIENCY. Identifiers: Orphanet 79273, MedGen C0162531, MONDO:0007369, OMIM 121300.
Acute intermittent porphyria (AIP). Also called: Acute Intermittent Porphyria (AIP); Acute Porphyria; HMBS deficiency; Hydroxymethylbilane Synthase Deficiency; Acute intermittent porphyria (autosomal dominant); PBGD DEFICIENCY. Identifiers: Orphanet 79276, MedGen C0162565, MONDO:0008294, OMIM 176000.
Protoporphyria, erythropoietic, 1 (EPP1). Also called: FERROCHELATASE DEFICIENCY; HEME SYNTHETASE DEFICIENCY; Erythropoietic Protoporphyria, Autosomal Recessive. Identifiers: Orphanet 79278, MedGen C4692546, MONDO:0008319, OMIM 177000.

Allele frequency attached by ClinVar (database versions not stated): 1000 Genomes Project 0.00060; 1000 Genomes Project 30x 0.00078; TOPMed 0.00128; gnomAD exomes 0.00157 and 0.00187; gnomAD 0.00159 and 0.00166; ESP Exome Variant Server 0.00161; ExAC 0.00183.
gnomAD v4.1: 2,956 of 1,613,266 alleles (0.18%); highest among the groups gnomAD compares: Non-Finnish European, 0.23%; 9 homozygotes.

Submissions (12):

Labcorp Genetics (formerly Invitae), Labcorp
Classification: Likely benign. Last evaluated: 2025-10-02. Review status: criteria provided, single submitter. Criteria: Invitae Variant Classification Sherloc (09022015). Collection method: clinical testing. Allele origin: germline.

Blueprint Genetics
Classification: Likely benign. Last evaluated: 2024-11-21. Review status: criteria provided, single submitter. Criteria: ACMG Guidelines, 2015. Collection method: clinical testing. Allele origin: germline.

CeGaT Center for Human Genetics Tuebingen
Classification: Benign. Last evaluated: 2023-11-01. Review status: criteria provided, single submitter. Criteria: CeGaT Center For Human Genetics Tuebingen Variant Classification Criteria Version 2. Collection method: clinical testing. Allele origin: germline. Affected: yes. Observed: 3 variant alleles.
Comment: ABCB6: BS1, BS2

Phillips Lab,  Hematology, University of Utah
Classification: Benign for Acute intermittent porphyria. Last evaluated: 2021-08-16. Review status: criteria provided, single submitter. Criteria: Submitter’s Publication. Collection method: clinical testing. Allele origin: unknown. Affected: yes.

Phillips Lab,  Hematology, University of Utah
Classification: Benign for Variegate porphyria. Last evaluated: 2021-08-16. Review status: criteria provided, single submitter. Criteria: Submitter’s Publication. Collection method: clinical testing. Allele origin: unknown. Affected: yes.

Phillips Lab,  Hematology, University of Utah
Classification: Benign for Hereditary coproporphyria. Last evaluated: 2021-08-16. Review status: criteria provided, single submitter. Criteria: Submitter’s Publication. Collection method: clinical testing. Allele origin: unknown. Affected: yes.

Phillips Lab,  Hematology, University of Utah
Classification: Benign for Protoporphyria, erythropoietic, 1. Last evaluated: 2021-08-16. Review status: criteria provided, single submitter. Criteria: Submitter’s Publication. Collection method: clinical testing. Allele origin: unknown. Affected: yes.

Breakthrough Genomics
Classification: Likely benign. Review status: criteria provided, single submitter. Criteria: ACMG Guidelines, 2015. Collection method: not provided. Allele origin: germline. Inheritance: Autosomal dominant inheritance. Affected: yes.

PreventionGenetics, part of Exact Sciences
Classification: Likely benign for ABCB6-related condition. Last evaluated: 2024-03-19. Review status: no assertion criteria provided. Collection method: clinical testing. Allele origin: germline. Not counted in ClinVar's aggregate classification.
Comment: This variant is classified as likely benign based on ACMG/AMP sequence variant interpretation guidelines (Richards et al. 2015 PMID: 25741868, with internal and published modifications).

OMIM
Classification: Affects for LANGEREIS BLOOD GROUP SYSTEM, LAN(-) PHENOTYPE. Last evaluated: 2013-02-01. Review status: no assertion criteria provided. Collection method: literature only. Allele origin: germline. Not counted in ClinVar's aggregate classification.

Clinical Genetics DNA and cytogenetics Diagnostics Lab, Erasmus MC, Erasmus Medical Center
Classification: Uncertain significance. Review status: no assertion criteria provided. Collection method: clinical testing. Allele origin: germline. Affected: yes. Study: VKGL Data-share Consensus. Not counted in ClinVar's aggregate classification.

Clinical Genetics, Academic Medical Center
Classification: Uncertain significance. Review status: no assertion criteria provided. Collection method: clinical testing. Allele origin: germline. Affected: yes. Study: VKGL Data-share Consensus. Not counted in ClinVar's aggregate classification.

Literature cited by the submitters: PubMed 22958180 (cited by OMIM).

NM_005689.4(ABCB6):c.574C>T (p.Arg192Trp)

Gene: ABCB6 (ATP binding cassette subfamily B member 6 (LAN blood group); minus strand). Cytogenetic location: 2q35.
Variant type: single nucleotide variant.
Coding change: c.574C>T on transcript NM_005689.4 (MANE Select); coding-DNA position 574, C replaced by T.
Protein change: p.Arg192Trp; replaces arginine 192 with tryptophan.
Molecular consequence: missense variant. On other transcripts: intron variant (1).
Genome position (GRCh38, 1-based): chr2:219,217,783, G>A on the plus strand (C>T on the coding strand, the complement: ABCB6 is on the minus strand). VCF-style: chr2-219217783-G-A. GRCh37 (hg19) VCF-style: chr2-220082505-G-A.
Other names: ABCB6, ARG192TRP (rs149202834); c.574C>T (NM_005689.2); c.549+342C>T (NM_001349828.2); short protein forms R192W.
Identifiers: ClinVar variation 217872 (VCV000217872.39), dbSNP rs149202834, ClinGen allele CA210364.
Genomic context (GRCh38, chr2:219,217,783, plus strand): 5'-GGGGACGAAGTCCAGGGGCCCAGAGACCCAGGACAAACAGCCCTCCAGAGACCACATACC[G>A]CAGCACCCACAGGCTAAACTGAACCTAGAATGAAATATAAGTGGAGAGAGTATCATTGAG-3'
Protein context (NP_005680.1, residues 182-202): QQVQFSLWVL[Arg192Trp]YVVSGGLFVL